The following is an entry in ClinVar:

NM_005334.3(HCFC1):c.2584G>A (p.Val862Ile)

Gene: HCFC1 (host cell factor C1; minus strand). Cytogenetic location: Xq28.
Variant type: single nucleotide variant.
Coding change: c.2584G>A on transcript NM_005334.3 (MANE Select); coding-DNA position 2584, G replaced by A.
Protein change: p.Val862Ile; replaces valine 862 with isoleucine.
Molecular consequence: missense variant.
Genome position (GRCh38, 1-based): chrX:153,956,676, C>T on the plus strand (G>A on the coding strand, the complement: HCFC1 is on the minus strand). VCF-style: chrX-153956676-C-T. GRCh37 (hg19) VCF-style: chrX-153222127-C-T.
Other names: short protein forms V862I.
Identifiers: ClinVar variation 392466 (VCV000392466.2), dbSNP rs1057524502, ClinGen allele CA16609145.
Genomic context (GRCh38, chrX:153,956,676, plus strand): 5'-GGTACACACCTGTGGTGCCTTTCACAACCAACGTGGTGACGGCTGGCTTGACGGCGGAGA[C>T]GGTGACGGGTGTGACCAGGCGAACACCCCCCATGGGCACAGTGCGGAGGATGGTGCCTGG-3'
Protein context (NP_005325.2, residues 852-872): GGVRLVTPVT[Val862Ile]SAVKPAVTTL

ClinVar aggregate classification (germline): Uncertain significance (1 of 4 stars; one submission).

Allele frequency attached by ClinVar (database versions not stated): gnomAD exomes below 0.00001; gnomAD 0.00001 and 0.00002.
gnomAD v4.1: 2 of 1,210,089 alleles (0.00017%); highest among the groups gnomAD compares: Non-Finnish European, 0.00011%; no homozygotes.

Submission:

GeneDx
Classification: Uncertain significance. Last evaluated: 2017-01-16. Review status: criteria provided, single submitter. Criteria: GeneDx Variant Classification (06012015). Collection method: clinical testing. Allele origin: germline. Affected: yes.
Comment: The V862I variant in the HCFC1 gene has not been reported previously as a pathogenic variant, nor as a benign variant, to our knowledge. This variant was not observed in approximately 6300 individuals of European and African American ancestry in the NHLBI Exome Sequencing Project, indicating it is not a common benign variant in these populations. The V862I variant is a conservative amino acid substitution, which is not likely to impact secondary protein structure as these residues share similar properties. This substitution occurs at a position that is conserved across species. In silico analysis is inconsistent in its predictions as to whether or not the variant is damaging to the protein structure/function. We interpret V862I as a variant of uncertain significance